The following is an entry in ClinVar:

NM_005144.5(HR):c.1016G>A (p.Gly339Asp)

Gene: HR (HR lysine demethylase and nuclear receptor corepressor; minus strand). Cytogenetic location: 8p21.3.
Variant type: single nucleotide variant.
Coding change: c.1016G>A on transcript NM_005144.5 (MANE Select); coding-DNA position 1016, G replaced by A.
Protein change: p.Gly339Asp; replaces glycine 339 with aspartic acid.
Molecular consequence: missense variant.
Genome position (GRCh38, 1-based): chr8:22,127,426, C>T on the plus strand (G>A on the coding strand, the complement: HR is on the minus strand). VCF-style: chr8-22127426-C-T. GRCh37 (hg19) VCF-style: chr8-21984939-C-T.
Other names: c.1016G>A, p.Gly339Asp (NM_018411.4); short protein forms G339D.
Identifiers: ClinVar variation 3526556 (VCV003526556.2).

ClinVar aggregate classification (germline): Uncertain significance. Review status: criteria provided, multiple submitters, no conflicts (2 of 4 stars). 2 submissions from 2 submitters: Uncertain significance (2). Last evaluated 2025-06-10.

Conditions:
Inborn genetic diseases. Identifiers: MedGen C0950123, MeSH D030342.

Submissions (2):

Labcorp Genetics (formerly Invitae), Labcorp
Classification: Uncertain significance. Last evaluated: 2025-06-10. Review status: criteria provided, single submitter. Criteria: Invitae Variant Classification Sherloc (09022015). Collection method: clinical testing. Allele origin: germline.
Comment: This sequence change replaces glycine, which is neutral and non-polar, with aspartic acid, which is acidic and polar, at codon 339 of the HR protein (p.Gly339Asp). This variant is present in population databases (rs142023638, gnomAD 0.08%). This variant has not been reported in the literature in individuals affected with HR-related conditions. ClinVar contains an entry for this variant (Variation ID: 3526556). An algorithm developed to predict the effect of missense changes on protein structure and function outputs the following: PolyPhen-2: "Benign". The aspartic acid amino acid residue is found in multiple mammalian species, which suggests that this missense change does not adversely affect protein function. In summary, the available evidence is currently insufficient to determine the role of this variant in disease. Therefore, it has been classified as a Variant of Uncertain Significance.

Ambry Genetics
Classification: Uncertain significance for Inborn genetic diseases. Last evaluated: 2024-10-09. Review status: criteria provided, single submitter. Criteria: Ambry Variant Classification Scheme 2023. Collection method: clinical testing. Allele origin: germline.